The following is an entry in ClinVar:

ClinVar aggregate classification (germline): Uncertain significance. Review status: criteria provided, multiple submitters, no conflicts (2 of 4 stars). 2 submissions from 2 submitters: Uncertain significance (2). Last evaluated 2026-06-11.

Conditions:
OTOG-related disorder. Also called: OTOG-related condition.

Allele frequency attached by ClinVar (database versions not stated): ExAC 0.00007; gnomAD exomes 0.00001; gnomAD 0.00002.
gnomAD v4.1: 16 of 1,550,482 alleles (0.001%); highest among the groups gnomAD compares: African/African-American, 0.0041%; no homozygotes.

Submissions (2):

PreventionGenetics, part of Exact Sciences
Classification: Uncertain significance for OTOG-related condition. Last evaluated: 2026-06-11. Review status: criteria provided, single submitter. Criteria: ACMG Guidelines, 2015. Collection method: clinical testing. Allele origin: germline.
Comment: The OTOG c.3812C>T variant is predicted to result in the amino acid substitution p.Ala1271Val. To our knowledge, this variant has not been reported in the literature. This variant is reported in 0.0065% of alleles in individuals of African descent in gnomAD. At this time, the clinical significance of this variant is uncertain due to the absence of conclusive functional and genetic evidence.

Labcorp Genetics (formerly Invitae), Labcorp
Classification: Uncertain significance. Last evaluated: 2022-03-18. Review status: criteria provided, single submitter. Criteria: Invitae Variant Classification Sherloc (09022015). Collection method: clinical testing. Allele origin: germline.
Comment: In summary, the available evidence is currently insufficient to determine the role of this variant in disease. Therefore, it has been classified as a Variant of Uncertain Significance. Algorithms developed to predict the effect of missense changes on protein structure and function output the following: SIFT: "Tolerated"; PolyPhen-2: "Benign"; Align-GVGD: "Class C0". The valine amino acid residue is found in multiple mammalian species, which suggests that this missense change does not adversely affect protein function. This variant has not been reported in the literature in individuals affected with OTOG-related conditions. This variant is present in population databases (rs777070962, gnomAD 0.007%). This sequence change replaces alanine, which is neutral and non-polar, with valine, which is neutral and non-polar, at codon 1271 of the OTOG protein (p.Ala1271Val).

NM_001292063.2(OTOG):c.3776C>T (p.Ala1259Val)

Gene: OTOG (otogelin; plus strand). Cytogenetic location: 11p15.1.
Variant type: single nucleotide variant.
Coding change: c.3776C>T on transcript NM_001292063.2 (MANE Select); coding-DNA position 3776, C replaced by T.
Protein change: p.Ala1259Val; replaces alanine 1259 with valine.
Molecular consequence: missense variant.
Genome position (GRCh38, 1-based): chr11:17,602,276, C>T. VCF-style: chr11-17602276-C-T. GRCh37 (hg19) VCF-style: chr11-17623823-C-T.
Other names: c.3812C>T (NM_001277269.1); c.3812C>T, p.Ala1271Val (NM_001277269.2); short protein forms A1259V, A1271V.
Identifiers: ClinVar variation 2084731 (VCV002084731.3), dbSNP rs777070962, ClinGen allele CA5905777.